The following is an entry in ClinVar:

NM_032608.7(MYO18B):c.7298A>G (p.Tyr2433Cys)

Gene: MYO18B (myosin XVIIIB; plus strand). Cytogenetic location: 22q12.1.
Variant type: single nucleotide variant.
Coding change: c.7298A>G on transcript NM_032608.7 (MANE Select); coding-DNA position 7298, A replaced by G.
Protein change: p.Tyr2433Cys; replaces tyrosine 2433 with cysteine.
Molecular consequence: missense variant.
Genome position (GRCh38, 1-based): chr22:26,027,272, A>G. VCF-style: chr22-26027272-A-G. GRCh37 (hg19) VCF-style: chr22-26423238-A-G.
Other names: c.7301A>G, p.Tyr2434Cys (NM_001318245.2); c.7298A>G (NM_032608.6); short protein forms Y2433C, Y2434C.
Identifiers: ClinVar variation 1393179 (VCV001393179.7), dbSNP rs770969759, ClinGen allele CA10161743.
Genomic context (GRCh38, chr22:26,027,272, plus strand): 5'-ACCTGATGGAGGAACCTCTAGGCAGTGACCCATTCAGCTGGAAACTCCCAAGCCTCGACT[A>G]CGAACGCAAGACCAAAGTGGACTTCGATGACTTCCTCCCAGCTATCCGGAAGCCCCAGAC-3'
Protein context (NP_115997.5, residues 2423-2443): PFSWKLPSLD[Tyr2433Cys]ERKTKVDFDD

ClinVar aggregate classification (germline): Uncertain significance (1 of 4 stars; one submission).

Conditions:
Klippel-Feil anomaly-myopathy-facial dysmorphism syndrome. Also called: Klippel-Feil syndrome 4, autosomal recessive, with myopathy and facial dysmorphism; Klippel-feil syndrome 4, autosomal recessive, with nemaline myopathy and facial dysmorphism. Identifiers: Orphanet 447974, MedGen C4225285, MONDO:0014689, OMIM 616549.

Allele frequency attached by ClinVar (database versions not stated): gnomAD exomes below 0.00001; ExAC 0.00001.
gnomAD v4.1: 4 of 1,614,014 alleles (0.00025%); highest among the groups gnomAD compares: South Asian, 0.0011%; no homozygotes.

Submission:

Labcorp Genetics (formerly Invitae), Labcorp
Classification: Uncertain significance. Last evaluated: 2021-12-10. Review status: criteria provided, single submitter. Criteria: Invitae Variant Classification Sherloc (09022015). Collection method: clinical testing. Allele origin: germline.
Comment: This sequence change replaces tyrosine, which is neutral and polar, with cysteine, which is neutral and slightly polar, at codon 2433 of the MYO18B protein (p.Tyr2433Cys). In summary, the available evidence is currently insufficient to determine the role of this variant in disease. Therefore, it has been classified as a Variant of Uncertain Significance. Algorithms developed to predict the effect of missense changes on protein structure and function are either unavailable or do not agree on the potential impact of this missense change (SIFT: "Not Available"; PolyPhen-2: "Probably Damaging"; Align-GVGD: "Not Available"). This variant has not been reported in the literature in individuals affected with MYO18B-related conditions. This variant is present in population databases (rs770969759, gnomAD 0.003%).